The following is an entry in ClinVar:

ClinVar aggregate classification (germline): Likely benign (0 of 4 stars; one submission).

Conditions:
TERT-related disorder. Also called: TERT-related disorders; TERT-related condition.

Submission:

PreventionGenetics, part of Exact Sciences
Classification: Likely benign for TERT-related condition. Last evaluated: 2024-07-06. Review status: no assertion criteria provided. Collection method: clinical testing. Allele origin: germline.
Comment: This variant is classified as likely benign based on ACMG/AMP sequence variant interpretation guidelines (Richards et al. 2015 PMID: 25741868, with internal and published modifications).

NM_198253.3(TERT):c.2469-6C>A

Gene: TERT (telomerase reverse transcriptase; minus strand). Cytogenetic location: 5p15.33.
Variant type: single nucleotide variant.
Coding change: c.2469-6C>A on transcript NM_198253.3 (MANE Select); 6 bases into the intron before coding-DNA position 2469, C replaced by A.
Molecular consequence: intron variant.
Genome position (GRCh38, 1-based): chr5:1,268,639, G>T on the plus strand (C>A on the coding strand, the complement: TERT is on the minus strand). VCF-style: chr5-1268639-G-T. GRCh37 (hg19) VCF-style: chr5-1268754-G-T.
Other names: c.2469-6C>A (NM_001193376.3).
Identifiers: ClinVar variation 3351758 (VCV003351758.1).